The following is an entry in ClinVar:

ClinVar aggregate classification (germline): Uncertain significance. Review status: criteria provided, multiple submitters, no conflicts (2 of 4 stars). 2 submissions from 2 submitters: Uncertain significance (2). Last evaluated 2025-08-17.

Conditions:
Neuroblastoma, susceptibility to, 3. Also called: ALK-Related Neuroblastic Tumor Susceptibility. Identifiers: Orphanet 635, MedGen C2751681, MONDO:0013083, OMIM 613014.
Hereditary cancer-predisposing syndrome. Also called: Hereditary neoplastic syndrome; Neoplastic Syndromes, Hereditary; Tumor predisposition; Hereditary Cancer Syndrome. Identifiers: Orphanet 140162, MedGen C0027672, MeSH D009386, MONDO:0015356.

Allele frequency attached by ClinVar (database versions not stated): gnomAD exomes below 0.00001; gnomAD 0.00003; TOPMed 0.00003.

Submissions (2):

Labcorp Genetics (formerly Invitae), Labcorp
Classification: Uncertain significance for Neuroblastoma, susceptibility to, 3. Last evaluated: 2025-08-17. Review status: criteria provided, single submitter. Criteria: Invitae Variant Classification Sherloc (09022015). Collection method: clinical testing. Allele origin: germline.
Comment: This sequence change replaces glutamic acid, which is acidic and polar, with lysine, which is basic and polar, at codon 668 of the ALK protein (p.Glu668Lys). This variant is not present in population databases (gnomAD no frequency). This variant has not been reported in the literature in individuals affected with ALK-related conditions. ClinVar contains an entry for this variant (Variation ID: 1027161). An algorithm developed to predict the effect of missense changes on protein structure and function outputs the following: PolyPhen-2: "Benign". The lysine amino acid residue is found in multiple mammalian species, which suggests that this missense change does not adversely affect protein function. In summary, the available evidence is currently insufficient to determine the role of this variant in disease. Therefore, it has been classified as a Variant of Uncertain Significance.

Ambry Genetics
Classification: Uncertain significance for Hereditary cancer-predisposing syndrome. Last evaluated: 2025-02-26. Review status: criteria provided, single submitter. Criteria: Ambry Variant Classification Scheme 2023. Collection method: clinical testing. Allele origin: germline.
Comment: The p.E668K variant (also known as c.2002G>A), located in coding exon 11 of the ALK gene, results from a G to A substitution at nucleotide position 2002. The glutamic acid at codon 668 is replaced by lysine, an amino acid with similar properties. This amino acid position is conserved. In addition, this alteration is predicted to be tolerated by in silico analysis. Based on the available evidence, the clinical significance of this variant remains unclear.

NM_004304.5(ALK):c.2002G>A (p.Glu668Lys)

Gene: ALK (ALK receptor tyrosine kinase; minus strand). Cytogenetic location: 2p23.2.
Variant type: single nucleotide variant.
Coding change: c.2002G>A on transcript NM_004304.5 (MANE Select); coding-DNA position 2002, G replaced by A.
Protein change: p.Glu668Lys; replaces glutamic acid 668 with lysine.
Molecular consequence: missense variant.
Genome position (GRCh38, 1-based): chr2:29,275,138, C>T on the plus strand (G>A on the coding strand, the complement: ALK is on the minus strand). VCF-style: chr2-29275138-C-T. GRCh37 (hg19) VCF-style: chr2-29498004-C-T.
Other names: c.2002G>A (NM_004304.4); short protein forms E668K.
Identifiers: ClinVar variation 1027161 (VCV001027161.9), dbSNP rs1208550472, ClinGen allele CA346479645.
Genomic context (GRCh38, chr2:29,275,138, plus strand): 5'-ATTTGTGAGCTGAACCCTTACCTGTAGGGTCAAAGATGGGGGTCTGTCTTGGTGAATTTT[C>T]CCCGGGTTTCAGCTCCTTGTTTGGGTTTCTCTCAAACAGGTTTCTTGATTTGGGTGCTGT-3'
Protein context (NP_004295.2, residues 658-678): RNPNKELKPG[Glu668Lys]NSPRQTPIFD